The following is an entry in ClinVar:

ClinVar aggregate classification (germline): Uncertain significance (1 of 4 stars; one submission).

Conditions:
Perlman syndrome (PRLMNS). Identifiers: Orphanet 2849, MedGen C0796113, MONDO:0009965, OMIM 267000.

Allele frequency attached by ClinVar (database versions not stated): gnomAD exomes below 0.00001 and 0.00001; ExAC 0.00001; gnomAD 0.00001; TOPMed 0.00001.
gnomAD v4.1: 7 of 1,612,814 alleles (0.00043%); highest among the groups gnomAD compares: Middle Eastern, 0.033%; no homozygotes.

Submission:

Labcorp Genetics (formerly Invitae), Labcorp
Classification: Uncertain significance for Perlman syndrome. Last evaluated: 2024-11-24. Review status: criteria provided, single submitter. Criteria: Invitae Variant Classification Sherloc (09022015). Collection method: clinical testing. Allele origin: germline.
Comment: This sequence change replaces alanine, which is neutral and non-polar, with valine, which is neutral and non-polar, at codon 690 of the DIS3L2 protein (p.Ala690Val). This variant is present in population databases (rs774110716, gnomAD 0.003%). This variant has not been reported in the literature in individuals affected with DIS3L2-related conditions. ClinVar contains an entry for this variant (Variation ID: 1060131). Invitae Evidence Modeling of protein sequence and biophysical properties (such as structural, functional, and spatial information, amino acid conservation, physicochemical variation, residue mobility, and thermodynamic stability) indicates that this missense variant is expected to disrupt DIS3L2 protein function with a positive predictive value of 80%. In summary, the available evidence is currently insufficient to determine the role of this variant in disease. Therefore, it has been classified as a Variant of Uncertain Significance.

NM_152383.5(DIS3L2):c.2069C>T (p.Ala690Val)

Gene: DIS3L2 (DIS3 like 3'-5' exoribonuclease 2; plus strand). Cytogenetic location: 2q37.1.
Variant type: single nucleotide variant.
Coding change: c.2069C>T on transcript NM_152383.5 (MANE Select); coding-DNA position 2069, C replaced by T.
Protein change: p.Ala690Val; replaces alanine 690 with valine.
Molecular consequence: missense variant. On other transcripts: non-coding transcript variant (2), intron variant (1).
Genome position (GRCh38, 1-based): chr2:232,333,898, C>T. VCF-style: chr2-232333898-C-T. GRCh37 (hg19) VCF-style: chr2-233198608-C-T.
Other names: c.1582-9447C>T (NM_001257281.2); short protein forms A690V.
Identifiers: ClinVar variation 1060131 (VCV001060131.9), dbSNP rs774110716, ClinGen allele CA2164388.